The following is an entry in ClinVar:

NM_001267550.2(TTN):c.24730C>T (p.Leu8244=)

Gene: TTN (titin; minus strand). Cytogenetic location: 2q31.2.
Variant type: single nucleotide variant.
Coding change: c.24730C>T on transcript NM_001267550.2 (MANE Select); coding-DNA position 24730, C replaced by T.
Protein change: p.Leu8244=; no amino-acid change (leucine 8244 retained).
Molecular consequence: synonymous variant. On other transcripts: intron variant (3).
Genome position (GRCh38, 1-based): chr2:178,718,376, G>A on the plus strand (C>T on the coding strand, the complement: TTN is on the minus strand). VCF-style: chr2-178718376-G-A. GRCh37 (hg19) VCF-style: chr2-179583103-G-A.
Other names: c.23779C>T, p.Leu7927= (NM_001256850.1); c.20998C>T, p.Leu7000= (NM_133378.4); c.13282+19706C>T (NM_003319.4); c.13858+19706C>T (NM_133437.4); c.13657+19706C>T (NM_133432.3).
Identifiers: ClinVar variation 1603711 (VCV001603711.32), dbSNP rs879037219, ClinGen allele CA60971189.

ClinVar aggregate classification (germline): Likely benign. Review status: criteria provided, multiple submitters, no conflicts (2 of 4 stars). 2 submissions from 2 submitters: Likely benign (2). Last evaluated 2025-05-19.

Conditions:
Autosomal recessive limb-girdle muscular dystrophy type 2J (LGMDR10). Also called: Limb-girdle muscular dystrophy, type 2J; MUSCULAR DYSTROPHY, LIMB-GIRDLE, AUTOSOMAL RECESSIVE 10. Identifiers: Orphanet 140922, MedGen C1837342, MONDO:0012127, OMIM 608807.
Dilated cardiomyopathy 1G (CMD1G). Identifiers: Orphanet 154, MedGen C1858763, MONDO:0011400, OMIM 604145.

Allele frequency attached by ClinVar (database versions not stated): gnomAD 0.00003 and 0.00004; TOPMed 0.00003.
gnomAD v4.1: 5 of 1,613,598 alleles (0.00031%); highest among the groups gnomAD compares: African/African-American, 0.0067%; no homozygotes.

Submissions (2):

Labcorp Genetics (formerly Invitae), Labcorp
Classification: Likely benign for Dilated cardiomyopathy 1G; Autosomal recessive limb-girdle muscular dystrophy type 2J. Last evaluated: 2025-05-19. Review status: criteria provided, single submitter. Criteria: Invitae Variant Classification Sherloc (09022015). Collection method: clinical testing. Allele origin: germline.

CeGaT Center for Human Genetics Tuebingen
Classification: Likely benign. Last evaluated: 2022-04-01. Review status: criteria provided, single submitter. Criteria: CeGaT Center For Human Genetics Tuebingen Variant Classification Criteria Version 2. Collection method: clinical testing. Allele origin: germline. Affected: yes. Observed: 1 variant allele.
Comment: TTN: BP4, BP7